The following is an entry in ClinVar:

ClinVar aggregate classification (germline): Likely pathogenic. Review status: criteria provided, multiple submitters, no conflicts (2 of 4 stars). 3 submissions from 3 submitters: Likely pathogenic (3). Last evaluated 2024-06-04.

Conditions:
SLC17A5-related disorder. Also called: SLC17A5-related disorders; SLC17A5-related condition.
Salla disease (SD). Also called: Less Severe FSASD (Salla Disease); Sialuria, Finnish type; N-acetylneuraminic acid (NANA) storage disease (NSD); Infantile sialic acid storage disorder (ISSD). Identifiers: Orphanet 309334, Orphanet 834, MedGen C1096903, MONDO:0011449, OMIM 604369.

Allele frequency attached by ClinVar (database versions not stated): gnomAD exomes below 0.00001; gnomAD 0.00001; TOPMed 0.00001.

Submissions (3):

Natera, Inc.
Classification: Likely pathogenic for Salla disease. Last evaluated: 2024-06-04. Review status: criteria provided, single submitter. Criteria: Natera Variant Classification Schema (03/2026). Collection method: clinical testing. Allele origin: germline.
Comment: The c.1109_1111+2del variant in SLC17A5 is a canonical splice donor site variant predicted to affect pre-mRNA splicing, which may result in an abnormal transcript and altered protein product. This variant is expected to result in nonsense mediated decay, truncation, or a dysfunctional protein product. This variant is rare in the general population with a frequency below the threshold expected for the associated phenotype(s). Given the available evidence, this variant is classified as Likely Pathogenic.

PreventionGenetics, part of Exact Sciences
Classification: Likely pathogenic for SLC17A5-related condition. Last evaluated: 2023-05-10. Review status: criteria provided, single submitter. Criteria: ACMG Guidelines, 2015. Collection method: clinical testing. Allele origin: germline.
Comment: The SLC17A5 c.1109_1111+2del5 variant is predicted to result in a deletion affecting a canonical splice site. This variant is predicted to alter splicing based on available splicing prediction programs (Alamut Visual Plus v1.6.1). To our knowledge, this variant has not been reported in the literature or in a large population database, indicating this variant is rare. This variant is interpreted as likely pathogenic.

Labcorp Genetics (formerly Invitae), Labcorp
Classification: Likely pathogenic for Salla disease. Last evaluated: 2022-11-24. Review status: criteria provided, single submitter. Criteria: Invitae Variant Classification Sherloc (09022015). Collection method: clinical testing. Allele origin: germline.
Comment: In summary, the currently available evidence indicates that the variant is pathogenic, but additional data are needed to prove that conclusively. Therefore, this variant has been classified as Likely Pathogenic. Algorithms developed to predict the effect of sequence changes on RNA splicing suggest that this variant may disrupt the consensus splice site. ClinVar contains an entry for this variant (Variation ID: 946190). This variant has not been reported in the literature in individuals affected with SLC17A5-related conditions. This variant is not present in population databases (gnomAD no frequency). This variant results in the deletion of part of exon 8 (c.1109_1111+2del) of the SLC17A5 gene. It is expected to disrupt RNA splicing. Variants that disrupt the donor or acceptor splice site typically lead to a loss of protein function (PMID: 16199547), and loss-of-function variants in SLC17A5 are known to be pathogenic (PMID: 10581036, 10947946, 15172001).

Literature cited by the submitters: PubMed 16199547 (cited by Labcorp Genetics (formerly Invitae), Labcorp); PubMed 10581036 (cited by Labcorp Genetics (formerly Invitae), Labcorp); PubMed 10947946 (cited by Labcorp Genetics (formerly Invitae), Labcorp); PubMed 15172001 (cited by Labcorp Genetics (formerly Invitae), Labcorp).

NM_012434.5(SLC17A5):c.1109_1111+2del

Gene: SLC17A5 (solute carrier family 17 member 5; minus strand). Cytogenetic location: 6q13.
Variant type: Deletion.
Coding change: c.1109_1111+2del on transcript NM_012434.5 (MANE Select); coding-DNA position 1109 through the canonical splice donor site of the intron after coding-DNA position 1111, 5 bases deleted (TAGGT; older notation c.1109_1111+2delTAGGT).
Molecular consequence: splice donor variant.
Genome position (GRCh38, 1-based): chr6:73,615,313-73,615,317, ACCTA deleted on the plus strand (TAGGT on the coding strand, the reverse complement: SLC17A5 is on the minus strand). VCF-style (leftmost placement, unchanged base first): chr6-73615312-TACCTA-T. GRCh37 (hg19) VCF-style: chr6-74325035-TACCTA-T.
Other names: c.1109_1111+2del5 (NM_012434.4); c.791_793+2del (NM_001382636.1); c.878_880+2del (NM_001382629.1); c.1022_1024+2del (NM_001382632.1); c.1106_1108+2del (NM_001382635.1); c.950_952+2del (NM_001382634.1); c.1109_1111+2del (NM_001382630.1, NM_001382633.1); c.1130_1132+2del (NM_001382631.1).
Identifiers: ClinVar variation 946190 (VCV000946190.9), dbSNP rs1767805645, ClinGen allele CA1090517755.
Genomic context (GRCh38, chr6:73,615,312, plus strand): 5'-TCCTATAACTGTAAACATGGTAAATAACTGTAAACCAAAACAAAACCTGATTGCTTCACT[TACCTA>T]TAAGGCTAAAAATTCTGCGAACACATAAAGTTGAAAAATTCCATTTTGCCCTTAAATTGT-3'